The following is an entry in ClinVar:

ClinVar aggregate classification (germline): Benign/Likely benign. Review status: criteria provided, multiple submitters, no conflicts (2 of 4 stars). 6 submissions from 6 submitters: Benign (1); Likely benign (3). 2 of the submissions do not count toward it. Last evaluated 2026-01-21.

Conditions:
Familial cancer of breast. Also called: hereditary breast carcinoma; BREAST CANCER, FAMILIAL; Hereditary breast cancer. Identifiers: Orphanet 227535, MedGen C0346153, MONDO:0016419, OMIM 114480. Disease mechanism: loss of function.
Hereditary diffuse gastric adenocarcinoma (HDGC). Also called: DIFFUSE GASTRIC AND LOBULAR BREAST CANCER SYNDROME. Identifiers: Orphanet 26106, MedGen C1708349, MONDO:0007648, OMIM 137215.
Endometrial carcinoma. Also called: Endometrial carcinoma, somatic. Identifiers: MedGen C0476089, MONDO:0002447, OMIM 608089, HP:0012114.
Ovarian neoplasm. Also called: Neoplasm of ovary; Ovarian tumor; Ovarian Neoplasms. Identifiers: MedGen C0919267, MeSH D010051, MONDO:0021068, HP:0100615.
Prostate cancer. Also called: Malignant tumor of prostate. Identifiers: Orphanet 1331, MedGen C0376358, MONDO:0008315, HP:0012125.
Blepharocheilodontic syndrome 1 (BCDS1). Identifiers: Orphanet 1997, MedGen C4551988, MONDO:0054740, OMIM 119580.
Hereditary cancer-predisposing syndrome. Also called: Neoplastic Syndromes, Hereditary; Hereditary neoplastic syndrome; Hereditary Cancer Syndrome; Tumor predisposition. Identifiers: Orphanet 140162, MedGen C0027672, MeSH D009386, MONDO:0015356.
Malignant tumor of breast. Also called: Malignant breast neoplasm; Cancer breast. Identifiers: MedGen C0006142, MONDO:0007254. Disease mechanism: loss of function.

Allele frequency attached by ClinVar (database versions not stated): TOPMed 0.00008; gnomAD exomes 0.00004 and 0.00010; gnomAD 0.00006.

Submissions (6):

Labcorp Genetics (formerly Invitae), Labcorp
Classification: Likely benign for Hereditary diffuse gastric adenocarcinoma. Last evaluated: 2026-01-21. Review status: criteria provided, single submitter. Criteria: Invitae Variant Classification Sherloc (09022015). Collection method: clinical testing. Allele origin: germline.

Fulgent Genetics
Classification: Likely benign for Familial cancer of breast; Blepharocheilodontic syndrome 1; Hereditary diffuse gastric adenocarcinoma; Ovarian cancer; Familial prostate cancer; Endometrial carcinoma. Last evaluated: 2022-03-31. Review status: criteria provided, single submitter. Criteria: ACMG Guidelines, 2015. Collection method: clinical testing. Allele origin: unknown.

Color Diagnostics, LLC DBA Color Health
Classification: Likely benign for Hereditary cancer-predisposing syndrome. Last evaluated: 2016-01-13. Review status: criteria provided, single submitter. Criteria: ACMG Guidelines, 2015. Collection method: clinical testing. Allele origin: germline.

GeneDx
Classification: Benign for Neoplastic Syndromes, Hereditary. Last evaluated: 2013-10-30. Review status: criteria provided, single submitter. Criteria: GeneDx Variant Classification (06012015). Collection method: clinical testing. Allele origin: germline. Affected: yes.
Comment: The variant is found in BR-OV-HEREDIC,HIRISK-BR-HEREDIC panel(s).

Counsyl
Classification: Likely benign for Hereditary diffuse gastric adenocarcinoma. Last evaluated: 2016-08-01. Review status: no assertion criteria provided. Collection method: clinical testing. Allele origin: unknown. Not counted in ClinVar's aggregate classification.

Department of Pathology and Laboratory Medicine, Sinai Health System
Classification: Likely benign for Malignant tumor of breast. Review status: no assertion criteria provided. Collection method: clinical testing. Allele origin: unknown. Affected: yes. Study: The Canadian Open Genetics Repository (COGR). Not counted in ClinVar's aggregate classification.
Comment: The CDH1 c.48+15_48+16del variant was not identified in the literature nor was it identified in the Zhejiang University database. The variant was identified in dbSNP (ID: rs730881655) as "With Likely benign allele", and in ClinVar (classified as benign by GeneDx; as likely benign by Counsyl, Color Genomics). The variant was not identified in the following control databases: the 1000 Genomes Project, the NHLBI GO Exome Sequencing Project, the Exome Aggregation Consortium (August 8th 2016), or the Genome Aggregation Database (Feb 27, 2017). The variant occurs outside of the splicing consensus sequence and in silico or computational prediction software programs (SpliceSiteFinder, MaxEntScan, NNSPLICE, GeneSplicer, HumanSpliceFinder) do not predict a difference in splicing. In summary, based on the above information the clinical significance of this variant cannot be determined with certainty at this time although we would lean towards a more benign role for this variant. This variant is classified as likely benign.

NM_004360.5(CDH1):c.48+15_48+16del

Gene: CDH1 (cadherin 1; plus strand). Cytogenetic location: 16q22.1.
Variant type: Deletion.
Coding change: c.48+15_48+16del on transcript NM_004360.5 (MANE Select); bases 15 to 16 of the intron after coding-DNA position 48, 2 bases deleted (CT; older notation c.48+15_48+16delCT).
Molecular consequence: intron variant.
Genome position (GRCh38, 1-based): chr16:68,737,478-68,737,479, CT deleted. VCF-style (leftmost placement, unchanged base first): chr16-68737477-CCT-C. GRCh37 (hg19) VCF-style: chr16-68771380-CCT-C.
Other names: c.-1568+15_-1568+16del (NM_001317185.2); c.-1772+15_-1772+16del (NM_001317186.2); c.48+15_48+16del (NM_001317184.2, LRG_301t1).
Identifiers: ClinVar variation 182378 (VCV000182378.15), dbSNP rs730881655, ClinGen allele CA298944.